The following is an entry in ClinVar:

NM_015072.5(TTLL5):c.3264G>A (p.Pro1088=)

Gene: TTLL5 (tubulin tyrosine ligase like 5; plus strand). Cytogenetic location: 14q24.3.
Variant type: single nucleotide variant.
Coding change: c.3264G>A on transcript NM_015072.5 (MANE Select); coding-DNA position 3264, G replaced by A.
Protein change: p.Pro1088=; no amino-acid change (proline 1088 retained).
Molecular consequence: synonymous variant.
Genome position (GRCh38, 1-based): chr14:75,820,099, G>A. VCF-style: chr14-75820099-G-A. GRCh37 (hg19) VCF-style: chr14-76286442-G-A.
Identifiers: ClinVar variation 744596 (VCV000744596.13), dbSNP rs376141983, ClinGen allele CA7279965.

ClinVar aggregate classification (germline): Likely benign. Review status: criteria provided, multiple submitters, no conflicts (2 of 4 stars). 5 submissions from 5 submitters: Likely benign (2). 3 of the submissions do not count toward it. Last evaluated 2025-11-22.

Conditions:
TTLL5-related disorder. Also called: TTLL5-related condition.

Allele frequency attached by ClinVar (database versions not stated): ExAC 0.00002; gnomAD exomes 0.00002 and 0.00003; gnomAD 0.00007 and 0.00010; TOPMed 0.00009.
gnomAD v4.1: 82 of 1,608,526 alleles (0.0051%); highest among the groups gnomAD compares: East Asian, 0.032%; 1 homozygote.

Submissions (5):

Labcorp Genetics (formerly Invitae), Labcorp
Classification: Likely benign. Last evaluated: 2025-11-22. Review status: criteria provided, single submitter. Criteria: Invitae Variant Classification Sherloc (09022015). Collection method: clinical testing. Allele origin: germline.

Blueprint Genetics
Classification: Likely benign. Last evaluated: 2024-11-06. Review status: criteria provided, single submitter. Criteria: ACMG Guidelines, 2015. Collection method: clinical testing. Allele origin: germline.

PreventionGenetics, part of Exact Sciences
Classification: Likely benign for TTLL5-related condition. Last evaluated: 2024-08-29. Review status: no assertion criteria provided. Collection method: clinical testing. Allele origin: germline. Not counted in ClinVar's aggregate classification.
Comment: This variant is classified as likely benign based on ACMG/AMP sequence variant interpretation guidelines (Richards et al. 2015 PMID: 25741868, with internal and published modifications).

Clinical Genetics DNA and cytogenetics Diagnostics Lab, Erasmus MC, Erasmus Medical Center
Classification: Likely benign. Review status: no assertion criteria provided. Collection method: clinical testing. Allele origin: germline. Affected: yes. Study: VKGL Data-share Consensus. Not counted in ClinVar's aggregate classification.

Clinical Genetics, Academic Medical Center
Classification: Benign. Review status: no assertion criteria provided. Collection method: clinical testing. Allele origin: germline. Affected: yes. Study: VKGL Data-share Consensus. Not counted in ClinVar's aggregate classification.